The following is an entry in ClinVar:

ClinVar aggregate classification (germline): Uncertain significance (1 of 4 stars; one submission).

Conditions:
TNF receptor-associated periodic fever syndrome (TRAPS) (FPF). Also called: FAMILIAL HIBERNIAN FEVER; TNF RECEPTOR-ASSOCIATED PERIODIC SYNDROME; TUMOR NECROSIS FACTOR RECEPTOR-ASSOCIATED PERIODIC SYNDROME; Autosomal Dominant Familial Periodic Fever; TNF Receptor-Associated Periodic Fever Syndrome; TNF receptor 1-associated periodic fever syndrome. Identifiers: Orphanet 32960, MedGen C1275126, MONDO:0007727, OMIM 142680.

Submission:

Labcorp Genetics (formerly Invitae), Labcorp
Classification: Uncertain significance for TNF receptor-associated periodic fever syndrome (TRAPS). Last evaluated: 2024-07-03. Review status: criteria provided, single submitter. Criteria: Invitae Variant Classification Sherloc (09022015). Collection method: clinical testing. Allele origin: germline.
Comment: This variant, c.349_363dup, results in the insertion of 5 amino acid(s) of the TNFRSF1A protein (p.Cys117_Arg121dup), but otherwise preserves the integrity of the reading frame. This variant is not present in population databases (gnomAD no frequency). This variant has not been reported in the literature in individuals affected with TNFRSF1A-related conditions. In summary, the available evidence is currently insufficient to determine the role of this variant in disease. Therefore, it has been classified as a Variant of Uncertain Significance.

NM_001065.4(TNFRSF1A):c.349_363dup (p.Arg121_Asp122insCysThrValAspArg)

Gene: TNFRSF1A (TNF receptor superfamily member 1A; minus strand). Cytogenetic location: 12p13.31.
Variant type: Duplication.
Coding change: c.349_363dup on transcript NM_001065.4 (MANE Select); coding-DNA positions 349 to 363, 15 bases duplicated (TGCACAGTGGACCGG).
Protein change: p.Arg121_Asp122insCysThrValAspArg.
Molecular consequence: 5 prime UTR variant (on NM_001346092.2). On other transcripts: non-coding transcript variant (1).
Genome position (GRCh38, 1-based): chr12:6,333,476-6,333,490, CCGGTCCACTGTGCA duplicated on the plus strand (TGCACAGTGGACCGG on the coding strand, the reverse complement: TNFRSF1A is on the minus strand). VCF-style (leftmost placement, unchanged base first): chr12-6333475-C-CCCGGTCCACTGTGCA. GRCh37 (hg19) VCF-style: chr12-6442641-C-CCCGGTCCACTGTGCA.
Other names: c.25_39dup, p.Arg13_Asp14insCysThrValAspArg (NM_001346091.2); c.-229_-215dup (NM_001346092.2).
Identifiers: ClinVar variation 3658694 (VCV003658694.2).